The following is an entry in ClinVar:

ClinVar aggregate classification (germline): Uncertain significance. Review status: criteria provided, multiple submitters, no conflicts (2 of 4 stars). 4 submissions from 4 submitters: Uncertain significance (4). Last evaluated 2025-04-01.

Allele frequency attached by ClinVar (database versions not stated): ESP Exome Variant Server 0.00033; TOPMed 0.00057.
gnomAD v4.1: 1,274 of 1,589,642 alleles (0.08%); highest among the groups gnomAD compares: Non-Finnish European, 0.1%; 3 homozygotes.

Submissions (4):

CeGaT Center for Human Genetics Tuebingen
Classification: Uncertain significance. Last evaluated: 2025-04-01. Review status: criteria provided, single submitter. Criteria: CeGaT Center For Human Genetics Tuebingen Variant Classification Criteria Version 2. Collection method: clinical testing. Allele origin: germline. Affected: yes. Observed: 3 variant alleles.
Comment: LTBP4: PP3

GeneDx
Classification: Uncertain significance. Last evaluated: 2023-09-07. Review status: criteria provided, single submitter. Criteria: GeneDx Variant Classification Process June 2021. Collection method: clinical testing. Allele origin: germline. Affected: yes.
Comment: Has not been previously published as pathogenic or benign to our knowledge; In silico analysis supports that this missense variant does not alter protein structure/function

Labcorp Genetics (formerly Invitae), Labcorp
Classification: Uncertain significance. Last evaluated: 2022-08-03. Review status: criteria provided, single submitter. Criteria: Invitae Variant Classification Sherloc (09022015). Collection method: clinical testing. Allele origin: germline.
Comment: This sequence change replaces proline, which is neutral and non-polar, with serine, which is neutral and polar, at codon 1370 of the LTBP4 protein (p.Pro1370Ser). This variant is present in population databases (rs370767377, gnomAD 0.08%). This variant has not been reported in the literature in individuals affected with LTBP4-related conditions. ClinVar contains an entry for this variant (Variation ID: 871297). Experimental studies and prediction algorithms are not available or were not evaluated, and the functional significance of this variant is currently unknown. In summary, the available evidence is currently insufficient to determine the role of this variant in disease. Therefore, it has been classified as a Variant of Uncertain Significance.

Laboratory for Molecular Medicine, Mass General Brigham Personalized Medicine
Classification: Uncertain significance. Last evaluated: 2019-10-18. Review status: criteria provided, single submitter. Criteria: LMM Criteria. Collection method: clinical testing. Allele origin: germline. Observed: 1 variant allele.
Comment: proposed classification - variant undergoing re-assessment, contact laboratory

NM_001042545.2(LTBP4):c.4018C>T (p.Pro1340Ser)

Gene: LTBP4 (latent transforming growth factor beta binding protein 4; plus strand). Cytogenetic location: 19q13.2.
Variant type: single nucleotide variant.
Coding change: c.4018C>T on transcript NM_001042545.2 (MANE Select); coding-DNA position 4018, C replaced by T.
Protein change: p.Pro1340Ser; replaces proline 1340 with serine.
Molecular consequence: missense variant.
Genome position (GRCh38, 1-based): chr19:40,627,007, C>T. VCF-style: chr19-40627007-C-T. GRCh37 (hg19) VCF-style: chr19-41132912-C-T.
Other names: c.4219C>T, p.Pro1407Ser (NM_001042544.1); c.4108C>T, p.Pro1370Ser (NM_003573.2); short protein forms P1407S, P1370S, P1340S.
Identifiers: ClinVar variation 871297 (VCV000871297.51), dbSNP rs370767377, ClinGen allele CA9449211.